The following is an entry in ClinVar:

NM_001367624.2(ZNF469):c.4994A>G (p.His1665Arg)

Gene: ZNF469 (zinc finger protein 469; plus strand). Cytogenetic location: 16q24.2.
Variant type: single nucleotide variant.
Coding change: c.4994A>G on transcript NM_001367624.2 (MANE Select); coding-DNA position 4994, A replaced by G.
Protein change: p.His1665Arg; replaces histidine 1665 with arginine.
Molecular consequence: missense variant.
Genome position (GRCh38, 1-based): chr16:88,432,464, A>G. VCF-style: chr16-88432464-A-G. GRCh37 (hg19) VCF-style: chr16-88498872-A-G.
Other names: NM_001127464.1:c.4910A>G; short protein forms H1665R.
Identifiers: ClinVar variation 2561853 (VCV002561853.3), dbSNP rs1249460407, ClinGen allele CA397094796.

ClinVar aggregate classification (germline): Uncertain significance. Review status: criteria provided, multiple submitters, no conflicts (2 of 4 stars). 2 submissions from 2 submitters: Uncertain significance (2). Last evaluated 2025-12-02.

Conditions:
Cardiovascular phenotype. Identifiers: MedGen CN230736.

Allele frequency attached by ClinVar (database versions not stated): gnomAD 0.00001.
gnomAD v4.1: 13 of 1,550,178 alleles (0.00084%); highest among the groups gnomAD compares: Admixed American, 0.002%; no homozygotes.

Submissions (2):

Women's Health and Genetics/Laboratory Corporation of America, LabCorp
Classification: Uncertain significance. Last evaluated: 2025-12-02. Review status: criteria provided, single submitter. Criteria: LabCorp Variant Classification Summary - May 2015. Collection method: clinical testing. Allele origin: germline.
Comment: Variant summary: ZNF469 c.4994A>G (p.His1665Arg) results in a non-conservative amino acid change in the encoded protein sequence. Algorithms developed to predict the effect of missense changes on protein structure and function are either unavailable or do not agree on the potential impact of this missense change. The variant allele was found at a frequency of 6.5e-06 in 153486 control chromosomes. The available data on variant occurrences in the general population are insufficient to allow any conclusion about variant significance. To our knowledge, no occurrence of c.4994A>G in individuals affected with ZNF469-related conditions and no experimental evidence demonstrating its impact on protein function have been reported. ClinVar contains an entry for this variant (Variation ID: 2561853). Based on the evidence outlined above, the variant was classified as uncertain significance.

Ambry Genetics
Classification: Uncertain significance for Cardiovascular phenotype. Last evaluated: 2023-05-27. Review status: criteria provided, single submitter. Criteria: Ambry Variant Classification Scheme 2023. Collection method: clinical testing. Allele origin: germline.
Comment: The p.H1637R variant (also known as c.4910A>G), located in coding exon 2 of the ZNF469 gene, results from an A to G substitution at nucleotide position 4910. The histidine at codon 1637 is replaced by arginine, an amino acid with highly similar properties. This amino acid position is conserved. In addition, this alteration is predicted to be tolerated by in silico analysis. Since supporting evidence is limited at this time, the clinical significance of this alteration remains unclear.